The following is an entry in ClinVar:

NM_005751.5(AKAP9):c.3469A>G (p.Lys1157Glu)

Gene: AKAP9 (A-kinase anchoring protein 9; plus strand). Cytogenetic location: 7q21.2.
Variant type: single nucleotide variant.
Coding change: c.3469A>G on transcript NM_005751.5 (MANE Select); coding-DNA position 3469, A replaced by G.
Protein change: p.Lys1157Glu; replaces lysine 1157 with glutamic acid.
Molecular consequence: missense variant.
Genome position (GRCh38, 1-based): chr7:92,012,579, A>G. VCF-style: chr7-92012579-A-G. GRCh37 (hg19) VCF-style: chr7-91641893-A-G.
Other names: c.3469A>G, p.Lys1157Glu (NM_147185.3); short protein forms K1157E.
Identifiers: ClinVar variation 1731708 (VCV001731708.6), dbSNP rs372572545, ClinGen allele CA4336311.

ClinVar aggregate classification (germline): Uncertain significance. Review status: criteria provided, multiple submitters, no conflicts (2 of 4 stars). 2 submissions from 2 submitters: Uncertain significance (2). Last evaluated 2025-09-03.

Conditions:
Cardiovascular phenotype. Identifiers: MedGen CN230736.
Long QT syndrome (LQTS). Identifiers: MedGen C0023976, MeSH D008133, MONDO:0002442. Disease mechanism: loss of function. Inheritance: Various modes of inheritance.

Allele frequency attached by ClinVar (database versions not stated): TOPMed 0.00002; gnomAD exomes 0.00004; ExAC 0.00002; gnomAD 0.00001; ESP Exome Variant Server 0.00008.
gnomAD v4.1: 60 of 1,613,564 alleles (0.0037%); highest among the groups gnomAD compares: Middle Eastern, 0.033%; no homozygotes.

Submissions (2):

Labcorp Genetics (formerly Invitae), Labcorp
Classification: Uncertain significance for Long QT syndrome. Last evaluated: 2025-09-03. Review status: criteria provided, single submitter. Criteria: Invitae Variant Classification Sherloc (09022015). Collection method: clinical testing. Allele origin: germline.
Comment: This sequence change replaces lysine, which is basic and polar, with glutamic acid, which is acidic and polar, at codon 1157 of the AKAP9 protein (p.Lys1157Glu). This variant is present in population databases (rs372572545, gnomAD 0.006%). This variant has not been reported in the literature in individuals affected with AKAP9-related conditions. ClinVar contains an entry for this variant (Variation ID: 1731708). An algorithm developed to predict the effect of missense changes on protein structure and function outputs the following: PolyPhen-2: "Benign". The glutamic acid amino acid residue is found in multiple mammalian species, which suggests that this missense change does not adversely affect protein function. In summary, the available evidence is currently insufficient to determine the role of this variant in disease. Therefore, it has been classified as a Variant of Uncertain Significance.

Ambry Genetics
Classification: Uncertain significance for Cardiovascular phenotype. Last evaluated: 2025-04-04. Review status: criteria provided, single submitter. Criteria: Ambry Variant Classification Scheme 2023. Collection method: clinical testing. Allele origin: germline.